The following is an entry in ClinVar:

NM_006161.3(NEUROG1):c.285C>A (p.Val95=)

Gene: NEUROG1 (neurogenin 1; minus strand). Cytogenetic location: 5q31.1.
Variant type: single nucleotide variant.
Coding change: c.285C>A on transcript NM_006161.3 (MANE Select); coding-DNA position 285, C replaced by A.
Protein change: p.Val95=; no amino-acid change (valine 95 retained).
Molecular consequence: synonymous variant.
Genome position (GRCh38, 1-based): chr5:135,535,406, G>T on the plus strand (C>A on the coding strand, the complement: NEUROG1 is on the minus strand). VCF-style: chr5-135535406-G-T. GRCh37 (hg19) VCF-style: chr5-134871096-G-T.
Identifiers: ClinVar variation 5040364 (VCV005040364.1).

ClinVar aggregate classification (germline): Likely benign (1 of 4 stars; one submission).

gnomAD v4.1: 6 of 1,605,426 alleles (0.00037%); highest among the groups gnomAD compares: Admixed American, 0.01%; no homozygotes.

Submission:

CeGaT Center for Human Genetics Tuebingen
Classification: Likely benign. Last evaluated: 2026-08-01. Review status: criteria provided, single submitter. Criteria: CeGaT Center For Human Genetics Tuebingen Variant Classification Criteria Version 2. Collection method: clinical testing. Allele origin: germline. Affected: yes. Observed: 1 variant allele.
Comment: NEUROG1: BP4, BP7